The following is an entry in ClinVar:

NM_002519.3(NPAT):c.701A>T (p.Asp234Val)

Gene: NPAT (nuclear protein, coactivator of histone transcription; minus strand). Cytogenetic location: 11q22.3.
Variant type: single nucleotide variant.
Coding change: c.701A>T on transcript NM_002519.3 (MANE Select); coding-DNA position 701, A replaced by T.
Protein change: p.Asp234Val; replaces aspartic acid 234 with valine.
Molecular consequence: missense variant.
Genome position (GRCh38, 1-based): chr11:108,186,507, T>A on the plus strand (A>T on the coding strand, the complement: NPAT is on the minus strand). VCF-style: chr11-108186507-T-A. GRCh37 (hg19) VCF-style: chr11-108057234-T-A.
Other names: c.701A>T, p.Asp234Val (NM_001321307.1); short protein forms D234V.
Identifiers: ClinVar variation 1756709 (VCV001756709.2), dbSNP rs2496740274, ClinGen allele CA382522235.

ClinVar aggregate classification (germline): Uncertain significance (1 of 4 stars; one submission).

Submission:

Ambry Genetics
Classification: Uncertain significance. Last evaluated: 2022-04-03. Review status: criteria provided, single submitter. Criteria: Ambry Variant Classification Scheme 2023. Collection method: clinical testing. Allele origin: germline.
Comment: The p.D234V variant (also known as c.701A>T), located in coding exon 8 of the NPAT gene, results from an A to T substitution at nucleotide position 701. The aspartic acid at codon 234 is replaced by valine, an amino acid with highly dissimilar properties. This amino acid position is conserved. In addition, the in silico prediction for this alteration is inconclusive. Since supporting evidence is limited at this time, the clinical significance of this alteration remains unclear.